The following is an entry in ClinVar:

ClinVar aggregate classification (germline): Pathogenic (1 of 4 stars; one submission).

Conditions:
Bethlem myopathy 1A. Also called: MYOPATHY, BENIGN CONGENITAL, WITH CONTRACTURES; Bethlem Muscular Dystrophy; Bethlem myopathy 1. Identifiers: Orphanet 610, MedGen CN029274, MONDO:0024530, OMIM 158810.

Allele frequency attached by ClinVar (database versions not stated): gnomAD exomes below 0.00001.

Submission:

Labcorp Genetics (formerly Invitae), Labcorp
Classification: Pathogenic for Bethlem myopathy 1A. Last evaluated: 2021-09-29. Review status: criteria provided, single submitter. Criteria: Invitae Variant Classification Sherloc (09022015). Collection method: clinical testing. Allele origin: germline.
Comment: This sequence change creates a premature translational stop signal (p.Asn214Ilefs*60) in the COL6A2 gene. It is expected to result in an absent or disrupted protein product. Loss-of-function variants in COL6A2 are known to be pathogenic (PMID: 19884007, 20976770). This variant is not present in population databases (ExAC no frequency). This variant has not been reported in the literature in individuals affected with COL6A2-related conditions. ClinVar contains an entry for this variant (Variation ID: 542956). For these reasons, this variant has been classified as Pathogenic.

Literature cited by the submitters: PubMed 19884007; PubMed 20976770.

NM_001849.4(COL6A2):c.641_645del (p.Asn214fs)

Gene: COL6A2 (collagen type VI alpha 2 chain; plus strand). Cytogenetic location: 21q22.3.
Variant type: Deletion.
Coding change: c.641_645del on transcript NM_001849.4 (MANE Select); coding-DNA positions 641 to 645, 5 bases deleted (ACGAC; older notation c.641_645delACGAC).
Protein change: p.Asn214fs; shifts the reading frame from asparagine 214.
Molecular consequence: frameshift variant.
Genome position (GRCh38, 1-based): chr21:46,112,504-46,112,508, ACGAC deleted. VCF-style (leftmost placement, unchanged base first): chr21-46112503-AACGAC-A. GRCh37 (hg19) VCF-style: chr21-47532417-AACGAC-A.
Other names: c.641_645delACGAC (NM_001849.3); c.641_645del, p.Asn214fs (NM_058174.3, NM_058175.3); short protein forms N214fs.
Identifiers: ClinVar variation 542956 (VCV000542956.7), dbSNP rs1375040481, ClinGen allele CA638497859.